The following is an entry in ClinVar:

ClinVar aggregate classification (germline): Uncertain significance (1 of 4 stars; one submission).

Submission:

Labcorp Genetics (formerly Invitae), Labcorp
Classification: Uncertain significance. Last evaluated: 2023-07-17. Review status: criteria provided, single submitter. Criteria: Invitae Variant Classification Sherloc (09022015). Collection method: clinical testing. Allele origin: germline.
Comment: In summary, the available evidence is currently insufficient to determine the role of this variant in disease. Therefore, it has been classified as a Variant of Uncertain Significance. Advanced modeling of protein sequence and biophysical properties (such as structural, functional, and spatial information, amino acid conservation, physicochemical variation, residue mobility, and thermodynamic stability) has been performed at Invitae for this missense variant, however the output from this modeling did not meet the statistical confidence thresholds required to predict the impact of this variant on MLC1 protein function. ClinVar contains an entry for this variant (Variation ID: 1465393). This variant has not been reported in the literature in individuals affected with MLC1-related conditions. This variant is not present in population databases (gnomAD no frequency). This sequence change replaces leucine, which is neutral and non-polar, with methionine, which is neutral and non-polar, at codon 272 of the MLC1 protein (p.Leu272Met).

NM_015166.4(MLC1):c.814C>A (p.Leu272Met)

Gene: MLC1 (modulator of VRAC current 1; minus strand). Cytogenetic location: 22q13.33.
Variant type: single nucleotide variant.
Coding change: c.814C>A on transcript NM_015166.4 (MANE Select); coding-DNA position 814, C replaced by A.
Protein change: p.Leu272Met; replaces leucine 272 with methionine.
Molecular consequence: missense variant. On other transcripts: non-coding transcript variant (3).
Genome position (GRCh38, 1-based): chr22:50,068,513, G>T on the plus strand (C>A on the coding strand, the complement: MLC1 is on the minus strand). VCF-style: chr22-50068513-G-T. GRCh37 (hg19) VCF-style: chr22-50506942-G-T.
Other names: c.814C>A, p.Leu272Met (NM_001376474.1, NM_001376475.1, NM_001376476.1 and 5 more transcripts); c.757C>A, p.Leu253Met (NM_001376479.1); c.724C>A, p.Leu242Met (NM_001376480.1); c.712C>A, p.Leu238Met (NM_001376481.1); c.658C>A, p.Leu220Met (NM_001376482.1, NM_001376483.1); c.577C>A, p.Leu193Met (NM_001376484.1); short protein forms L220M, L238M, L272M, L253M, L193M, L242M.
Identifiers: ClinVar variation 1465393 (VCV001465393.6), dbSNP rs2146811944, ClinGen allele CA412107752.